The following is an entry in ClinVar:

ClinVar aggregate classification (germline): Uncertain significance (1 of 4 stars; one submission).

gnomAD v4.1: 4 of 1,613,766 alleles (0.00025%); highest among the groups gnomAD compares: Non-Finnish European, 0.00034%; no homozygotes.

Submission:

Labcorp Genetics (formerly Invitae), Labcorp
Classification: Uncertain significance. Last evaluated: 2025-03-11. Review status: criteria provided, single submitter. Criteria: Invitae Variant Classification Sherloc (09022015). Collection method: clinical testing. Allele origin: germline.
Comment: This sequence change replaces asparagine, which is neutral and polar, with aspartic acid, which is acidic and polar, at codon 296 of the C6 protein (p.Asn296Asp). This variant is not present in population databases (gnomAD no frequency). This variant has not been reported in the literature in individuals affected with C6-related conditions. An algorithm developed to predict the effect of missense changes on protein structure and function (PolyPhen-2) suggests that this variant is likely to be tolerated. In summary, the available evidence is currently insufficient to determine the role of this variant in disease. Therefore, it has been classified as a Variant of Uncertain Significance.

NM_000065.5(C6):c.886A>G (p.Asn296Asp)

Gene: C6 (complement C6; minus strand). Cytogenetic location: 5p13.1.
Variant type: single nucleotide variant.
Coding change: c.886A>G on transcript NM_000065.5 (MANE Select); coding-DNA position 886, A replaced by G.
Protein change: p.Asn296Asp; replaces asparagine 296 with aspartic acid.
Molecular consequence: missense variant.
Genome position (GRCh38, 1-based): chr5:41,181,400, T>C on the plus strand (A>G on the coding strand, the complement: C6 is on the minus strand). VCF-style: chr5-41181400-T-C. GRCh37 (hg19) VCF-style: chr5-41181502-T-C.
Other names: c.886A>G, p.Asn296Asp (NM_001115131.4); short protein forms N296D.
Identifiers: ClinVar variation 4770010 (VCV004770010.1).
Genomic context (GRCh38, chr5:41,181,400, plus strand): 5'-TGGAAACCATTTTTGATACCTTTTTGTGAGAGGCTTGAATGGCTTGTTTGAAGGCAGAAT[T>C]ATGGTTGATATTTTCACTTCTCTTTGAGGAATAAAAAATTGGTACACTGAAAGAGCTCCC-3'
Protein context (NP_000056.2, residues 286-306): SSKRSENINH[Asn296Asp]SAFKQAIQAS